The following is an entry in ClinVar:

NM_004092.4(ECHS1):c.60C>T (p.Arg20=)

Genes: ECHS1 (enoyl-CoA hydratase, short chain 1; minus strand), LOC130005023 (ATAC-STARR-seq lymphoblastoid silent region 2977; plus strand). Cytogenetic location: 10q26.3.
Variant type: single nucleotide variant.
Coding change: c.60C>T on transcript NM_004092.4 (MANE Select); coding-DNA position 60, C replaced by T.
Protein change: p.Arg20=; no amino-acid change (arginine 20 retained).
Molecular consequence: synonymous variant.
Genome position (GRCh38, 1-based): chr10:133,373,274, G>A on the plus strand (C>T on the coding strand, the complement: ECHS1 is on the minus strand). VCF-style: chr10-133373274-G-A. GRCh37 (hg19) VCF-style: chr10-135186778-G-A.
Identifiers: ClinVar variation 3602975 (VCV003602975.2).

ClinVar aggregate classification (germline): Conflicting classifications of pathogenicity. Review status: criteria provided, conflicting classifications (1 of 4 stars). 2 submissions from 2 submitters: Uncertain significance (1); Likely benign (1). Last evaluated 2024-12-24.

gnomAD v4.1: 3 of 1,464,668 alleles (0.0002%); highest among the groups gnomAD compares: Admixed American, 0.0025%; no homozygotes.

Submissions (2):

Labcorp Genetics (formerly Invitae), Labcorp
Classification: Likely benign. Last evaluated: 2024-12-24. Review status: criteria provided, single submitter. Criteria: Invitae Variant Classification Sherloc (09022015). Collection method: clinical testing. Allele origin: germline.

GeneDx
Classification: Uncertain significance. Last evaluated: 2024-08-08. Review status: criteria provided, single submitter. Criteria: GeneDx Variant Classification Process June 2021. Collection method: clinical testing. Allele origin: germline. Affected: yes.
Comment: Not observed at significant frequency in large population cohorts (gnomAD); In silico analysis indicates that this variant does not alter splicing; Has not been previously published as pathogenic or benign to our knowledge